The following is an entry in ClinVar:

NM_005732.4(RAD50):c.569A>T (p.Glu190Val)

Gene: RAD50 (RAD50 double strand break repair protein; plus strand). Cytogenetic location: 5q31.1.
Variant type: single nucleotide variant.
Coding change: c.569A>T on transcript NM_005732.4 (MANE Select); coding-DNA position 569, A replaced by T.
Protein change: p.Glu190Val; replaces glutamic acid 190 with valine.
Molecular consequence: missense variant.
Genome position (GRCh38, 1-based): chr5:132,579,879, A>T. VCF-style: chr5-132579879-A-T. GRCh37 (hg19) VCF-style: chr5-131915571-A-T.
Other names: short protein forms E190V.
Identifiers: ClinVar variation 2451404 (VCV002451404.4), dbSNP rs2479617200, ClinGen allele CA360935534.

ClinVar aggregate classification (germline): Uncertain significance. Review status: criteria provided, multiple submitters, no conflicts (2 of 4 stars). 2 submissions from 2 submitters: Uncertain significance (2). Last evaluated 2024-11-24.

Conditions:
Hereditary cancer-predisposing syndrome. Also called: Neoplastic Syndromes, Hereditary; Tumor predisposition; Hereditary neoplastic syndrome; Hereditary Cancer Syndrome. Identifiers: Orphanet 140162, MedGen C0027672, MeSH D009386, MONDO:0015356.

Submissions (2):

Labcorp Genetics (formerly Invitae), Labcorp
Classification: Uncertain significance for Hereditary cancer-predisposing syndrome. Last evaluated: 2024-11-24. Review status: criteria provided, single submitter. Criteria: Invitae Variant Classification Sherloc (09022015). Collection method: clinical testing. Allele origin: germline.
Comment: This sequence change replaces glutamic acid, which is acidic and polar, with valine, which is neutral and non-polar, at codon 190 of the RAD50 protein (p.Glu190Val). This variant is not present in population databases (gnomAD no frequency). This variant has not been reported in the literature in individuals affected with RAD50-related conditions. ClinVar contains an entry for this variant (Variation ID: 2451404). Invitae Evidence Modeling of protein sequence and biophysical properties (such as structural, functional, and spatial information, amino acid conservation, physicochemical variation, residue mobility, and thermodynamic stability) indicates that this missense variant is expected to disrupt RAD50 protein function with a positive predictive value of 80%. Algorithms developed to predict the effect of sequence changes on RNA splicing suggest that this variant may disrupt the consensus splice site. In summary, the available evidence is currently insufficient to determine the role of this variant in disease. Therefore, it has been classified as a Variant of Uncertain Significance.

Ambry Genetics
Classification: Uncertain significance for Hereditary cancer-predisposing syndrome. Last evaluated: 2022-11-07. Review status: criteria provided, single submitter. Criteria: Ambry Variant Classification Scheme 2023. Collection method: clinical testing. Allele origin: germline.
Comment: The p.E190V variant (also known as c.569A>T), located in coding exon 5 of the RAD50 gene, results from an A to T substitution at nucleotide position 569. The glutamic acid at codon 190 is replaced by valine, an amino acid with dissimilar properties. This amino acid position is conserved. In addition, this alteration is predicted to be tolerated by in silico analysis. Since supporting evidence is limited at this time, the clinical significance of this alteration remains unclear.